The following is an entry in ClinVar:

NM_001298.3(CNGA3):c.1936C>T (p.Arg646Cys)

Gene: CNGA3 (cyclic nucleotide gated channel subunit alpha 3; plus strand). Cytogenetic location: 2q11.2.
Variant type: single nucleotide variant.
Coding change: c.1936C>T on transcript NM_001298.3 (MANE Select); coding-DNA position 1936, C replaced by T.
Protein change: p.Arg646Cys; replaces arginine 646 with cysteine.
Molecular consequence: missense variant.
Genome position (GRCh38, 1-based): chr2:98,397,106, C>T. VCF-style: chr2-98397106-C-T. GRCh37 (hg19) VCF-style: chr2-99013569-C-T.
Other names: c.1882C>T, p.Arg628Cys (NM_001079878.2); c.1936C>T (NM_001298.2); short protein forms R646C, R628C.
Identifiers: ClinVar variation 624145 (VCV000624145.50), dbSNP rs753184087, ClinGen allele CA1794118.

ClinVar aggregate classification (germline): Uncertain significance. Review status: criteria provided, multiple submitters, no conflicts (2 of 4 stars). 3 submissions from 3 submitters: Uncertain significance (3). Last evaluated 2022-08-10.

Conditions:
Inborn genetic diseases. Identifiers: MedGen C0950123, MeSH D030342.

Allele frequency attached by ClinVar (database versions not stated): gnomAD 0.00001 and 0.00002; ExAC 0.00002; gnomAD exomes 0.00002 and 0.00003; TOPMed 0.00003.

Submissions (3):

Labcorp Genetics (formerly Invitae), Labcorp
Classification: Uncertain significance. Last evaluated: 2022-08-10. Review status: criteria provided, single submitter. Criteria: Invitae Variant Classification Sherloc (09022015). Collection method: clinical testing. Allele origin: germline.
Comment: In summary, the available evidence is currently insufficient to determine the role of this variant in disease. Therefore, it has been classified as a Variant of Uncertain Significance. Advanced modeling of protein sequence and biophysical properties (such as structural, functional, and spatial information, amino acid conservation, physicochemical variation, residue mobility, and thermodynamic stability) performed at Invitae indicates that this missense variant is expected to disrupt CNGA3 protein function. ClinVar contains an entry for this variant (Variation ID: 624145). This variant has not been reported in the literature in individuals affected with CNGA3-related conditions. This variant is present in population databases (rs753184087, gnomAD 0.006%). This sequence change replaces arginine, which is basic and polar, with cysteine, which is neutral and slightly polar, at codon 646 of the CNGA3 protein (p.Arg646Cys).

Ambry Genetics
Classification: Uncertain significance for Inborn genetic diseases. Last evaluated: 2021-11-22. Review status: criteria provided, single submitter. Criteria: Ambry Variant Classification Scheme 2023. Collection method: clinical testing. Allele origin: germline.

CeGaT Center for Human Genetics Tuebingen
Classification: Uncertain significance. Last evaluated: 2018-08-01. Review status: criteria provided, single submitter. Criteria: CeGaT Center For Human Genetics Tuebingen Variant Classification Criteria Version 2. Collection method: clinical testing. Allele origin: germline. Affected: yes. Observed: 1 variant allele.